The following is an entry in ClinVar:

ClinVar aggregate classification (germline): Likely benign (1 of 4 stars; one submission).

gnomAD v4.1: 2,029 of 1,613,640 alleles (0.13%); highest among the groups gnomAD compares: Middle Eastern, 0.13%; 1 homozygote.

Submission:

CeGaT Center for Human Genetics Tuebingen
Classification: Likely benign. Last evaluated: 2025-09-01. Review status: criteria provided, single submitter. Criteria: CeGaT Center For Human Genetics Tuebingen Variant Classification Criteria Version 2. Collection method: clinical testing. Allele origin: germline. Affected: yes. Observed: 1 variant allele.
Comment: LTK: BS1

NM_002344.6(LTK):c.1621G>A (p.Val541Ile)

Gene: LTK (leukocyte receptor tyrosine kinase; minus strand). Cytogenetic location: 15q15.1.
Variant type: single nucleotide variant.
Coding change: c.1621G>A on transcript NM_002344.6 (MANE Select); coding-DNA position 1621, G replaced by A.
Protein change: p.Val541Ile; replaces valine 541 with isoleucine.
Molecular consequence: missense variant. On other transcripts: intron variant (1).
Genome position (GRCh38, 1-based): chr15:41,505,926, C>T on the plus strand (G>A on the coding strand, the complement: LTK is on the minus strand). VCF-style: chr15-41505926-C-T. GRCh37 (hg19) VCF-style: chr15-41798124-C-T.
Other names: c.1438G>A, p.Val480Ile (NM_206961.4); c.1243-149G>A (NM_001135685.2); short protein forms V480I, V541I.
Identifiers: ClinVar variation 4280827 (VCV004280827.7).